The following is an entry in ClinVar:

NM_000228.3(LAMB3):c.1172_1179delinsTGTGTGTGCAAGGAG (p.Pro391fs)

Gene: LAMB3 (laminin subunit beta 3; minus strand). Cytogenetic location: 1q32.2.
Variant type: Indel.
Coding change: c.1172_1179delinsTGTGTGTGCAAGGAG on transcript NM_000228.3 (MANE Select); coding-DNA positions 1172 to 1179, CCTGTGAC replaced by TGTGTGTGCAAGGAG.
Protein change: p.Pro391fs; shifts the reading frame from proline 391.
Molecular consequence: frameshift variant.
Genome position (GRCh38, 1-based): chr1:209,628,144-209,628,151, GTCACAGG replaced by CTCCTTGCACACACA on the plus strand (CCTGTGAC replaced by TGTGTGTGCAAGGAG on the coding strand, the reverse complement: LAMB3 is on the minus strand). VCF-style: chr1-209628144-GTCACAGG-CTCCTTGCACACACA. GRCh37 (hg19) VCF-style: chr1-209801489-GTCACAGG-CTCCTTGCACACACA.
Other names: c.1172_1179delinsTGTGTGTGCAAGGAG, p.Pro391fs (NM_001017402.2, NM_001127641.1); short protein forms P391fs.
Identifiers: ClinVar variation 2108412 (VCV002108412.4), dbSNP rs2464838281, ClinGen allele CA2580062008.

ClinVar aggregate classification (germline): Pathogenic (1 of 4 stars; one submission).

Submission:

Labcorp Genetics (formerly Invitae), Labcorp
Classification: Pathogenic. Last evaluated: 2022-03-20. Review status: criteria provided, single submitter. Criteria: Invitae Variant Classification Sherloc (09022015). Collection method: clinical testing. Allele origin: germline.
Comment: For these reasons, this variant has been classified as Pathogenic. This variant is also known as c.1171∼1179CCTGTGAC/TGTGTGTGCAAGGAG (p.P391fs*22). This premature translational stop signal has been observed in individual(s) with junctional epidermolysis bullosa (PMID: 33029849). Information on the frequency of this variant in the gnomAD database is not available, as this variant may be reported differently in the database. This sequence change creates a premature translational stop signal (p.Pro391Leufs*23) in the LAMB3 gene. It is expected to result in an absent or disrupted protein product. Loss-of-function variants in LAMB3 are known to be pathogenic (PMID: 11023379, 16473856).

Literature cited by the submitters: PubMed 33029849; PubMed 11023379; PubMed 16473856.